The following is an entry in ClinVar:

NM_018230.3(NUP133):c.1393dup (p.Ser465fs)

Gene: NUP133 (nucleoporin 133; minus strand). Cytogenetic location: 1q42.13.
Variant type: Duplication.
Coding change: c.1393dup on transcript NM_018230.3 (MANE Select); coding-DNA position 1393, one base duplicated (T; older notation c.1393dupT).
Protein change: p.Ser465fs; shifts the reading frame from serine 465.
Molecular consequence: frameshift variant.
Genome position (GRCh38, 1-based): chr1:229,486,478, A duplicated on the plus strand (T on the coding strand, the reverse complement: NUP133 is on the minus strand); the first of 6 consecutive A bases (chr1:229,486,478-229,486,483); duplicating any one gives the same sequence. VCF-style (leftmost placement, unchanged base first): chr1-229486477-G-GA. GRCh37 (hg19) VCF-style: chr1-229622224-G-GA.
Other names: short protein forms S465fs.
Identifiers: ClinVar variation 4813784 (VCV004813784.1).

ClinVar aggregate classification (germline): Likely pathogenic (1 of 4 stars; one submission).

Conditions:
Autosomal recessive NUP133-related disorders.

Submission:

Variantyx, Inc.
Classification: Likely pathogenic for Autosomal recessive NUP133-related disorders. Last evaluated: 2025-08-19. Review status: criteria provided, single submitter. Criteria: Variantyx Assertion Criteria 2022. Collection method: clinical testing. Allele origin: germline. Inheritance: Autosomal recessive inheritance.
Comment: This is a frameshift variant in the NUP133 gene (OMIM: 607613). Pathogenic variants in this gene have been associated with autosomal recessive NUP133-related disorders (PMID:30179222;11793129]. This variant introduces a premature termination codon in exon 11 out of 26 and is expected to result in loss of function, which is a known disease mechanism for NUP133 in this disorder (PVS1). This variant has a 0.0024% maximum allele frequency in non-founder control populations (PM2) and it has not been reported in individuals with NUP133-related disorders in the databases available for review.Based on the current evidence, this variant is classified as likely pathogenic for autosomal recessive NUP133-related disorders.No other variant of clinical significance was identified in the NUP133 gene. A

Literature cited by the submitters: PubMed 30179222; PubMed 11793129.